The following is an entry in ClinVar:

NM_000179.3(MSH6):c.2415C>T (p.Ile805=)

Gene: MSH6 (mutS homolog 6; plus strand). Cytogenetic location: 2p16.3.
Variant type: single nucleotide variant.
Coding change: c.2415C>T on transcript NM_000179.3 (MANE Select); coding-DNA position 2415, C replaced by T.
Protein change: p.Ile805=; no amino-acid change (isoleucine 805 retained).
Molecular consequence: synonymous variant.
Genome position (GRCh38, 1-based): chr2:47,800,398, C>T. VCF-style: chr2-47800398-C-T. GRCh37 (hg19) VCF-style: chr2-48027537-C-T.
Other names: c.2025C>T, p.Ile675= (NM_001281492.2); c.1509C>T, p.Ile503= (NM_001281493.2, NM_001281494.2).
Identifiers: ClinVar variation 455199 (VCV000455199.19), dbSNP rs1219649543, ClinGen allele CA426121822.

ClinVar aggregate classification (germline): Benign/Likely benign. Review status: criteria provided, multiple submitters, no conflicts (2 of 4 stars). 5 submissions from 5 submitters: Benign (1); Likely benign (4). Last evaluated 2025-12-13.

Conditions:
Hereditary nonpolyposis colorectal neoplasms. Identifiers: MedGen C0009405, MeSH D003123.
Hereditary cancer-predisposing syndrome. Also called: Hereditary Cancer Syndrome; Hereditary neoplastic syndrome; Neoplastic Syndromes, Hereditary; Tumor predisposition. Identifiers: Orphanet 140162, MedGen C0027672, MeSH D009386, MONDO:0015356.
Lynch syndrome 5 (LYNCH5). Also called: Hereditary non-polyposis colorectal cancer, type 5; Colorectal cancer, hereditary nonpolyposis, type 5. Identifiers: Orphanet 144, MedGen C1833477, MONDO:0013710, OMIM 614350. Disease mechanism: loss of function.

Allele frequency attached by ClinVar (database versions not stated): gnomAD exomes below 0.00001.
gnomAD v4.1: 3 of 1,614,030 alleles (0.00019%); highest among the groups gnomAD compares: South Asian, 0.0022%; no homozygotes.

Submissions (5):

Labcorp Genetics (formerly Invitae), Labcorp
Classification: Likely benign for Hereditary nonpolyposis colorectal neoplasms. Last evaluated: 2025-12-13. Review status: criteria provided, single submitter. Criteria: Invitae Variant Classification Sherloc (09022015). Collection method: clinical testing. Allele origin: germline.

Myriad Genetics, Inc.
Classification: Benign for Lynch syndrome 5. Last evaluated: 2024-12-31. Review status: criteria provided, single submitter. Criteria: Myriad Autosomal Dominant, Autosomal Recessive and X-Linked Classification Criteria (2023). Collection method: clinical testing. Allele origin: unknown.
Comment: This variant is considered benign. This variant is a silent/synonymous amino acid change and it is not expected to impact splicing.

KCCC/NGS Laboratory, Kuwait Cancer Control Center
Classification: Likely benign for Lynch syndrome 5. Last evaluated: 2023-07-07. Review status: criteria provided, single submitter. Criteria: ACMG Guidelines, 2015. Collection method: clinical testing. Allele origin: germline. Affected: yes.

Women's Health and Genetics/Laboratory Corporation of America, LabCorp
Classification: Likely benign. Last evaluated: 2020-01-31. Review status: criteria provided, single submitter. Criteria: LabCorp Variant Classification Summary - May 2015. Collection method: clinical testing. Allele origin: germline.

Ambry Genetics
Classification: Likely benign for Hereditary cancer-predisposing syndrome. Last evaluated: 2017-03-26. Review status: criteria provided, single submitter. Criteria: Ambry Variant Classification Scheme 2023. Collection method: clinical testing. Allele origin: germline.